The following is an entry in ClinVar:

ClinVar aggregate classification (germline): Uncertain significance (1 of 4 stars; one submission).

Conditions:
Hypertrophic cardiomyopathy. Also called: HYPERTROPHIC MYOCARDIOPATHY. Identifiers: Orphanet 217569, MedGen C0007194, MeSH D002312, MONDO:0005045, HP:0001639.

Submission:

Labcorp Genetics (formerly Invitae), Labcorp
Classification: Uncertain significance for Hypertrophic cardiomyopathy. Last evaluated: 2016-08-30. Review status: criteria provided, single submitter. Criteria: Invitae Variant Classification Sherloc (09022015). Collection method: clinical testing. Allele origin: germline.
Comment: This variant has not been reported in the literature in individuals with a MYOM1-related disease. This variant is a gross duplication of the genomic region encompassing exon 9 of the MYOM1 gene. While the exact position of the duplicated exons cannot be determined from this data, the duplicated copy of this region is likely in tandem and in-frame, therefore preserving the integrity of the reading frame. For these reasons, this duplication has been classified as a Variant of Uncertain Significance.

NC_000018.9:g.(?_3168809)_(3168985_?)dup

Gene: MYOM1 (myomesin 1; minus strand). Cytogenetic location: 18p11.31.
Variant type: Duplication.
Identifiers: ClinVar variation 1064147 (VCV001064147.7).